The following is an entry in ClinVar:

ClinVar aggregate classification (germline): Conflicting classifications of pathogenicity. Review status: criteria provided, conflicting classifications (1 of 4 stars). 5 submissions from 5 submitters: Likely pathogenic (4); Uncertain significance (1). Last evaluated 2025-03-14.

Conditions:
Bethlem myopathy 1B (BTHLM1B). Identifiers: MedGen C5935580, MONDO:0958233, OMIM 620725.
Ullrich congenital muscular dystrophy 1B (UCMD1B). Identifiers: MedGen C5935582, MONDO:0958235, OMIM 620727.
Myosclerosis. Also called: Myosclerosis, congenital; MYOPATHY, MYOSCLEROTIC; MYOSCLEROSIS, CONGENITAL, OF LOWENTHAL. Identifiers: Orphanet 289380, MedGen C1850671, MONDO:0009714, OMIM 255600.
COL6A2-related disorder.
Bethlem myopathy 1A. Also called: Bethlem Muscular Dystrophy; MYOPATHY, BENIGN CONGENITAL, WITH CONTRACTURES; Bethlem myopathy 1. Identifiers: Orphanet 610, MedGen CN029274, MONDO:0024530, OMIM 158810.

Allele frequency attached by ClinVar (database versions not stated): gnomAD exomes below 0.00001; TOPMed below 0.00001; ExAC 0.00001; gnomAD 0.00001.
gnomAD v4.1: 5 of 1,612,628 alleles (0.00031%); highest among the groups gnomAD compares: African/African-American, 0.0027%; no homozygotes.

Submissions (5):

Dasa
Classification: Likely pathogenic for COL6A2 related-disorder. Last evaluated: 2025-03-14. Review status: criteria provided, single submitter. Criteria: DASA Assertion Criteria. Collection method: clinical testing. Allele origin: germline.
Comment: NM_001849.4(COL6A2):c.1591G>A (p.Gly531Ser) is a missense variant that results in the substitution of glycine with serine. The affected residue or protein region has prior evidence supporting clinical relevance. This variant has been recurrently observed in individuals with COL6A2-related disorders (PMID: 32065942; PMID: 33250842). Also, this variant is rare in population databases. Computational evidence supports a deleterious effect. Based on the currently available evidence, this variant is classified as likely pathogenic.

Labcorp Genetics (formerly Invitae), Labcorp
Classification: Likely pathogenic for Bethlem myopathy 1A. Last evaluated: 2024-10-15. Review status: criteria provided, single submitter. Criteria: Invitae Variant Classification Sherloc (09022015). Collection method: clinical testing. Allele origin: germline.
Comment: This sequence change replaces glycine, which is neutral and non-polar, with serine, which is neutral and polar, at codon 531 of the COL6A2 protein (p.Gly531Ser). This variant is present in population databases (rs778364096, gnomAD 0.0009%). This missense change has been observed in individuals with clinical features of autosomal recessive type VI collagenopathy (PMID: 32065942, 33250842). ClinVar contains an entry for this variant (Variation ID: 289309). Invitae Evidence Modeling of protein sequence and biophysical properties (such as structural, functional, and spatial information, amino acid conservation, physicochemical variation, residue mobility, and thermodynamic stability) indicates that this missense variant is expected to disrupt COL6A2 protein function with a positive predictive value of 80%. This variant disrupts the triple helix domain of COL6A2. Glycine residues within the Gly-Xaa-Yaa repeats of the triple helix domain are required for the structure and stability of fibrillar collagens (PMID: 7695699, 8218237, 19344236). In COL6A2, missense variants at these glycine residues are significantly enriched in individuals with autosomal dominant disease (PMID: 15689448, 24038877) compared to the general population (ExAC). In summary, the currently available evidence indicates that the variant is pathogenic, but additional data are needed to prove that conclusively. Therefore, this variant has been classified as Likely Pathogenic.

GeneDx
Classification: Likely pathogenic. Last evaluated: 2023-10-16. Review status: criteria provided, single submitter. Criteria: GeneDx Variant Classification Process June 2021. Collection method: clinical testing. Allele origin: germline. Affected: yes.
Comment: Replaces the glycine in the canonical Gly-X-Y repeat of the triple helical domain and is expected to disrupt normal protein folding and function, which is an established mechanism of disease (HGMD); Not observed at significant frequency in large population cohorts (gnomAD); In silico analysis supports that this missense variant has a deleterious effect on protein structure/function; This variant is associated with the following publications: (PMID: 32065942, 27535533, 33250842, 24077912)

Eurofins Ntd Llc (ga)
Classification: Uncertain significance. Last evaluated: 2016-07-13. Review status: criteria provided, single submitter. Criteria: EGL Classification Definitions 2015. Collection method: clinical testing. Allele origin: germline. Observed: 1 variant allele, 1 heterozygote.

Juno Genomics, Hangzhou Juno Genomics, Inc
Classification: Likely pathogenic for Bethlem myopathy 1B; Ullrich congenital muscular dystrophy 1B; Myosclerosis. Review status: criteria provided, single submitter. Criteria: ACMG Guidelines, 2015. Collection method: clinical testing. Allele origin: germline.
Comment: Absent from controls (or at extremely low frequency if recessive) in Genome Aggregation Database.;Multiple lines of computational evidence support a deleterious effect on the gene or gene product.;For recessive disorders, detected in trans with a pathogenic variant.;Patient's phenotype or family history is highly specific for a disease with a single genetic etiology.

Literature cited by the submitters: PubMed 32065942 (cited by Dasa and Labcorp Genetics (formerly Invitae), Labcorp); PubMed 33250842 (cited by Dasa and Labcorp Genetics (formerly Invitae), Labcorp); PubMed 24038877 (cited by Dasa and Labcorp Genetics (formerly Invitae), Labcorp); PubMed 7695699 (cited by Labcorp Genetics (formerly Invitae), Labcorp); PubMed 8218237 (cited by Labcorp Genetics (formerly Invitae), Labcorp); PubMed 19344236 (cited by Labcorp Genetics (formerly Invitae), Labcorp); PubMed 15689448 (cited by Labcorp Genetics (formerly Invitae), Labcorp).

NM_001849.4(COL6A2):c.1591G>A (p.Gly531Ser)

Gene: COL6A2 (collagen type VI alpha 2 chain; plus strand). Cytogenetic location: 21q22.3.
Variant type: single nucleotide variant.
Coding change: c.1591G>A on transcript NM_001849.4 (MANE Select); coding-DNA position 1591, G replaced by A.
Protein change: p.Gly531Ser; replaces glycine 531 with serine.
Molecular consequence: missense variant.
Genome position (GRCh38, 1-based): chr21:46,122,514, G>A. VCF-style: chr21-46122514-G-A. GRCh37 (hg19) VCF-style: chr21-47542428-G-A.
Other names: c.1591G>A, p.Gly531Ser (NM_058174.3, NM_058175.3); c.1591G>A (NM_001849.3); short protein forms G531S.
Identifiers: ClinVar variation 289309 (VCV000289309.14), dbSNP rs778364096, ClinGen allele CA10072012.